The following is an entry in ClinVar:

ClinVar aggregate classification (germline): Uncertain significance (1 of 4 stars; one submission).

Submission:

GeneDx
Classification: Uncertain significance. Last evaluated: 2024-01-18. Review status: criteria provided, single submitter. Criteria: GeneDx Variant Classification Process June 2021. Collection method: clinical testing. Allele origin: germline. Affected: yes.
Comment: Not observed at significant frequency in large population cohorts (gnomAD); In silico analysis supports that this missense variant has a deleterious effect on protein structure/function; Has not been previously published as pathogenic or benign to our knowledge

NM_022575.4(VPS16):c.439C>T (p.Leu147Phe)

Gene: VPS16 (VPS16 core subunit of CORVET and HOPS complexes; plus strand). Cytogenetic location: 20p13.
Variant type: single nucleotide variant.
Coding change: c.439C>T on transcript NM_022575.4 (MANE Select); coding-DNA position 439, C replaced by T.
Protein change: p.Leu147Phe; replaces leucine 147 with phenylalanine.
Molecular consequence: missense variant.
Genome position (GRCh38, 1-based): chr20:2,860,518, C>T. VCF-style: chr20-2860518-C-T. GRCh37 (hg19) VCF-style: chr20-2841164-C-T.
Other names: c.439C>T, p.Leu147Phe (NM_080413.3); short protein forms L147F.
Identifiers: ClinVar variation 3368108 (VCV003368108.1).